The following is an entry in ClinVar:

ClinVar aggregate classification (germline): Uncertain significance (1 of 4 stars; one submission).

Conditions:
PPRC1-related disorder. Also called: PPRC1-related condition.

Submission:

PreventionGenetics, part of Exact Sciences
Classification: Uncertain significance for PPRC1-related condition. Last evaluated: 2025-01-05. Review status: criteria provided, single submitter. Criteria: ACMG Guidelines, 2015. Collection method: clinical testing. Allele origin: germline.
Comment: The PPRC1 c.591+1G>A variant is predicted to disrupt the GT donor site and interfere with normal splicing. To our knowledge, this variant has not been reported in the literature or in a large population database (gnomAD), indicating this variant is rare. Loss of function variants in PPRC1 are not an established mechanism of disease. At this time, the clinical significance of this variant is uncertain due to the absence of conclusive functional and genetic evidence.

NM_015062.5(PPRC1):c.591+1G>A

Genes: PPRC1 (PPARG related coactivator 1; plus strand), LOC126861022 (CDK7 strongly-dependent group 2 enhancer GRCh37_chr10:103897995-103899194; plus strand). Cytogenetic location: 10q24.32.
Variant type: single nucleotide variant.
Coding change: c.591+1G>A on transcript NM_015062.5 (MANE Select); the canonical splice donor site of the intron after coding-DNA position 591, G replaced by A.
Molecular consequence: splice donor variant.
Genome position (GRCh38, 1-based): chr10:102,138,981, G>A. VCF-style: chr10-102138981-G-A. GRCh37 (hg19) VCF-style: chr10-103898738-G-A.
Other names: c.591+1G>A (NM_001288727.2); c.231+1G>A (NM_001288728.2).
Identifiers: ClinVar variation 4999095 (VCV004999095.1).